The following is an entry in ClinVar:

NM_007357.3(COG2):c.523delinsCAGGCCCATACAGGTGCAATGGTTTTCTGGAGCACCTGTATGCTC (p.Thr175fs)

Gene: COG2 (component of oligomeric golgi complex 2; plus strand). Cytogenetic location: 1q42.2.
Variant type: Indel.
Coding change: c.523delinsCAGGCCCATACAGGTGCAATGGTTTTCTGGAGCACCTGTATGCTC on transcript NM_007357.3 (MANE Select); coding-DNA position 523, the reference bases replaced by an inserted sequence.
Protein change: p.Thr175fs; shifts the reading frame from threonine 175.
Molecular consequence: frameshift variant.
Genome position (GRCh38, 1-based): chr1:230,668,713, one base replaced. GRCh37 (hg19), VCF-style position (the base before the change): chr1:230,804,459.
Other names: c.523delinsCAGGCCCATACAGGTGCAATGGTTTTCTGGAGCACCTGTATGCTC, p.Thr175fs (NM_001145036.2); short protein forms T175fs.
Identifiers: ClinVar variation 3727680 (VCV003727680.2).

ClinVar aggregate classification (germline): Pathogenic (1 of 4 stars; one submission).

Conditions:
Congenital disorder of glycosylation, type IIq. Also called: CDG IIq. Identifiers: Orphanet 435934, MedGen C4479353, MONDO:0054559, OMIM 617395.

Submission:

Labcorp Genetics (formerly Invitae), Labcorp
Classification: Pathogenic for Congenital disorder of glycosylation, type IIq. Last evaluated: 2024-12-19. Review status: criteria provided, single submitter. Criteria: Invitae Variant Classification Sherloc (09022015). Collection method: clinical testing. Allele origin: germline.
Comment: This sequence change creates a premature translational stop signal (p.Thr175Glnfs*37) in the COG2 gene. It is expected to result in an absent or disrupted protein product. Loss-of-function variants in COG2 are known to be pathogenic (PMID: 24784932). This variant is not present in population databases (gnomAD no frequency). This variant has not been reported in the literature in individuals affected with COG2-related conditions. For these reasons, this variant has been classified as Pathogenic.

Literature cited by the submitters: PubMed 24784932.